The following is an entry in ClinVar:

ClinVar aggregate classification (germline): Likely pathogenic (1 of 4 stars; one submission).

gnomAD v4.1: 2 of 1,614,122 alleles (0.00012%); highest among the groups gnomAD compares: Non-Finnish European, 0.00017%; no homozygotes.

Submission:

Labcorp Genetics (formerly Invitae), Labcorp
Classification: Likely pathogenic. Last evaluated: 2024-02-14. Review status: criteria provided, single submitter. Criteria: Invitae Variant Classification Sherloc (09022015). Collection method: clinical testing. Allele origin: germline.
Comment: This sequence change replaces glycine, which is neutral and non-polar, with arginine, which is basic and polar, at codon 1652 of the COL7A1 protein (p.Gly1652Arg). The frequency data for this variant in the population databases is considered unreliable, as metrics indicate poor data quality at this position in the gnomAD database. This missense change has been observed in individual(s) with autosomal recessive dystrophic epidermolysis bullosa (PMID: 9444387). In at least one individual the data is consistent with being in trans (on the opposite chromosome) from a pathogenic variant. Advanced modeling of protein sequence and biophysical properties (such as structural, functional, and spatial information, amino acid conservation, physicochemical variation, residue mobility, and thermodynamic stability) performed at Invitae indicates that this missense variant is expected to disrupt COL7A1 protein function with a positive predictive value of 95%. This variant disrupts the triple helix domain of COL7A1. Glycine residues within the Gly-Xaa-Yaa repeats of the triple helix domain are required for the structure and stability of fibrillar collagens (PMID: 7695699, 8218237, 19344236), and variants at these glycine residues in COL7A1 are more frequently observed in individuals with disease than in the general population (PMID: 22058051). However, the clinical significance of this observation remains uncertain since only a limited number of affected individuals have been described to date. In summary, the currently available evidence indicates that the variant is pathogenic, but additional data are needed to prove that conclusively. Therefore, this variant has been classified as Likely Pathogenic.

Literature cited by the submitters: PubMed 9444387; PubMed 7695699; PubMed 8218237; PubMed 19344236; PubMed 22058051.

NM_000094.4(COL7A1):c.4954G>A (p.Gly1652Arg)

Gene: COL7A1 (collagen type VII alpha 1 chain; minus strand). Cytogenetic location: 3p21.31.
Variant type: single nucleotide variant.
Coding change: c.4954G>A on transcript NM_000094.4 (MANE Select); coding-DNA position 4954, G replaced by A.
Protein change: p.Gly1652Arg; replaces glycine 1652 with arginine.
Molecular consequence: missense variant.
Genome position (GRCh38, 1-based): chr3:48,580,908, C>T on the plus strand (G>A on the coding strand, the complement: COL7A1 is on the minus strand). VCF-style: chr3-48580908-C-T. GRCh37 (hg19) VCF-style: chr3-48618341-C-T.
Other names: short protein forms G1652R.
Identifiers: ClinVar variation 3720506 (VCV003720506.2).